The following is an entry in ClinVar:

ClinVar aggregate classification (germline): Uncertain significance. Review status: criteria provided, multiple submitters, no conflicts (2 of 4 stars). 2 submissions from 2 submitters: Uncertain significance (2). Last evaluated 2022-12-21.

Allele frequency attached by ClinVar (database versions not stated): gnomAD 0.00002; gnomAD exomes 0.00002; TOPMed 0.00002.
gnomAD v4.1: 30 of 1,614,046 alleles (0.0019%); highest among the groups gnomAD compares: African/African-American, 0.004%; no homozygotes.

Submissions (2):

Ambry Genetics
Classification: Uncertain significance. Last evaluated: 2022-12-21. Review status: criteria provided, single submitter. Criteria: Ambry Variant Classification Scheme 2023. Collection method: clinical testing. Allele origin: germline.

Labcorp Genetics (formerly Invitae), Labcorp
Classification: Uncertain significance. Last evaluated: 2022-02-08. Review status: criteria provided, single submitter. Criteria: Invitae Variant Classification Sherloc (09022015). Collection method: clinical testing. Allele origin: germline.
Comment: This sequence change replaces alanine, which is neutral and non-polar, with serine, which is neutral and polar, at codon 459 of the AHR protein (p.Ala459Ser). This variant is not present in population databases (gnomAD no frequency). This variant has not been reported in the literature in individuals affected with AHR-related conditions. Algorithms developed to predict the effect of missense changes on protein structure and function output the following: SIFT: "Tolerated"; PolyPhen-2: "Benign"; Align-GVGD: "Class C0". The serine amino acid residue is found in multiple mammalian species, which suggests that this missense change does not adversely affect protein function. In summary, the available evidence is currently insufficient to determine the role of this variant in disease. Therefore, it has been classified as a Variant of Uncertain Significance.

NM_001621.5(AHR):c.1375G>T (p.Ala459Ser)

Gene: AHR (aryl hydrocarbon receptor; plus strand). Cytogenetic location: 7p21.1.
Variant type: single nucleotide variant.
Coding change: c.1375G>T on transcript NM_001621.5 (MANE Select); coding-DNA position 1375, G replaced by T.
Protein change: p.Ala459Ser; replaces alanine 459 with serine.
Molecular consequence: missense variant.
Genome position (GRCh38, 1-based): chr7:17,339,200, G>T. VCF-style: chr7-17339200-G-T. GRCh37 (hg19) VCF-style: chr7-17378824-G-T.
Other names: short protein forms A459S.
Identifiers: ClinVar variation 1937066 (VCV001937066.6), dbSNP rs1200267422, ClinGen allele CA366893963.